The following is an entry in ClinVar:

NM_177924.5(ASAH1):c.216+120G>C

Gene: ASAH1 (N-acylsphingosine amidohydrolase 1; minus strand). Cytogenetic location: 8p22.
Variant type: single nucleotide variant.
Coding change: c.216+120G>C on transcript NM_177924.5 (MANE Select); 120 bases into the intron after coding-DNA position 216, G replaced by C.
Molecular consequence: intron variant.
Genome position (GRCh38, 1-based): chr8:18,071,180, C>G on the plus strand (G>C on the coding strand, the complement: ASAH1 is on the minus strand). VCF-style: chr8-18071180-C-G. GRCh37 (hg19) VCF-style: chr8-17928689-C-G.
Other names: c.264+120G>C (NM_004315.6); c.285+120G>C (NM_001127505.3); c.21+120G>C (NM_001363743.2).
Identifiers: ClinVar variation 679649 (VCV000679649.1), dbSNP rs145697612, ClinGen allele CA173146873.
Genomic context (GRCh38, chr8:18,071,180, plus strand): 5'-TTGCTAGAACCCAGGAGGCGGAGGTTGCGGCGAGCTGAGATCGTGCCACTGCATTCCAGC[C>G]TGGGTGACAGAGTGAGACTCTGTCTCAAAACAAAAAAAAAATCAATCAATAAATAAAAAT-3'

ClinVar aggregate classification (germline): Benign (1 of 4 stars; one submission).

Allele frequency attached by ClinVar (database versions not stated): gnomAD 0.02472 and 0.02568; TOPMed 0.02662; 1000 Genomes Project 30x 0.02811; 1000 Genomes Project 0.02835.
gnomAD v4.1: 5,311 of 454,118 alleles (1.2%); highest among the groups gnomAD compares: African/African-American, 7.9%; 186 homozygotes.

Submission:

GeneDx
Classification: Benign. Last evaluated: 2018-06-18. Review status: criteria provided, single submitter. Criteria: GeneDx Variant Classification (06012015). Collection method: clinical testing. Allele origin: germline. Affected: yes.
Comment: This variant is considered likely benign or benign based on one or more of the following criteria: it is a conservative change, it occurs at a poorly conserved position in the protein, it is predicted to be benign by multiple in silico algorithms, and/or has population frequency not consistent with disease.